The following is an entry in ClinVar:

NM_001372044.2(SHANK3):c.3769del (p.Arg1257fs)

Gene: SHANK3 (SH3 and multiple ankyrin repeat domains 3; plus strand). Cytogenetic location: 22q13.33.
Variant type: Deletion.
Coding change: c.3769del on transcript NM_001372044.2 (MANE Select); coding-DNA position 3769, one base deleted (C; older notation c.3769delC).
Protein change: p.Arg1257fs; shifts the reading frame from arginine 1257.
Molecular consequence: frameshift variant.
Genome position (GRCh38, 1-based): chr22:50,721,377, C deleted; the last of 5 consecutive C bases (chr22:50,721,373-50,721,377); deleting any one gives the same sequence. VCF-style (leftmost placement, unchanged base first): chr22-50721372-TC-T. GRCh37 (hg19) VCF-style: chr22-51159800-TC-T.
Other names: short protein forms R1257fs.
Identifiers: ClinVar variation 5041620 (VCV005041620.1).
Genomic context (GRCh38, chr22:50,721,372, plus strand): 5'-CTTTCTCCCCACGGAGCCCAGCCTGGATTCCTGTGCCTGCTCGCAGGGAGGCAGAGAAGG[TC>T]CCCCGGGAGGAGCGGAAGTCACCCGAGGACAAGAAGTCCATGATCCTCAGCGTCCTGGAC-3'

ClinVar aggregate classification (germline): Pathogenic (1 of 4 stars; one submission).

Submission:

CeGaT Center for Human Genetics Tuebingen
Classification: Pathogenic. Last evaluated: 2026-09-01. Review status: criteria provided, single submitter. Criteria: CeGaT Center For Human Genetics Tuebingen Variant Classification Criteria Version 2. Collection method: clinical testing. Allele origin: germline. Affected: yes. Observed: 1 variant allele.
Comment: SHANK3: PVS1, PM2